The following is an entry in ClinVar:

ClinVar aggregate classification (germline): Likely pathogenic (1 of 4 stars; one submission).

Conditions:
Autosomal recessive polycystic kidney disease (ARPKD). Also called: AR polycystic kidney disease. Identifiers: Orphanet 731, Orphanet 8378, MedGen C0085548, MeSH D017044, MONDO:0009889.

gnomAD v4.1: 2 of 1,608,700 alleles (0.00012%); highest among the groups gnomAD compares: African/African-American, 0.0013%; no homozygotes.

Submission:

Natera, Inc.
Classification: Likely pathogenic for Autosomal recessive polycystic kidney disease. Last evaluated: 2025-07-29. Review status: criteria provided, single submitter. Criteria: Natera Variant Classification Schema (03/2026). Collection method: clinical testing. Allele origin: germline.
Comment: The c.668-2A>G variant in PKHD1 is a canonical splice acceptor site variant predicted to affect pre-mRNA splicing, which may result in an abnormal transcript and altered protein product. This variant is expected to result in nonsense mediated decay, truncation, or a dysfunctional protein product. This variant is rare in the general population with a frequency below the threshold expected for the associated phenotype(s). Given the available evidence, this variant is classified as Likely Pathogenic.

NM_138694.4(PKHD1):c.668-2A>G

Gene: PKHD1 (PKHD1 ciliary IPT domain containing fibrocystin/polyductin; minus strand). Cytogenetic location: 6p12.2.
Variant type: single nucleotide variant.
Coding change: c.668-2A>G on transcript NM_138694.4 (MANE Select); the canonical splice acceptor site of the intron before coding-DNA position 668, A replaced by G.
Molecular consequence: splice acceptor variant.
Genome position (GRCh38, 1-based): chr6:52,070,447, T>C on the plus strand (A>G on the coding strand, the complement: PKHD1 is on the minus strand). VCF-style: chr6-52070447-T-C. GRCh37 (hg19) VCF-style: chr6-51935245-T-C.
Other names: c.668-2A>G (NM_170724.3).
Identifiers: ClinVar variation 4816724 (VCV004816724.1).